The following is an entry in ClinVar:

NM_000179.3(MSH6):c.2460_2461delinsAA (p.Leu821Ile)

Gene: MSH6 (mutS homolog 6; plus strand). Cytogenetic location: 2p16.3.
Variant type: Indel.
Coding change: c.2460_2461delinsAA on transcript NM_000179.3 (MANE Select); coding-DNA positions 2460 to 2461, GC replaced by AA.
Protein change: p.Leu821Ile; replaces leucine 821 with isoleucine.
Molecular consequence: missense variant. On other transcripts: non-coding transcript variant (5), intron variant (3).
Genome position (GRCh38, 1-based): chr2:47,800,443-47,800,444, GC replaced by AA. VCF-style: chr2-47800443-GC-AA. GRCh37 (hg19) VCF-style: chr2-48027582-GC-AA.
Other names: c.2070_2071delinsAA, p.Leu691Ile (NM_001281492.2); c.1554_1555delinsAA, p.Leu519Ile (NM_001281493.2, NM_001281494.2, NM_001406811.1 and 6 more transcripts); c.2556_2557delinsAA, p.Leu853Ile (NM_001406795.1, NM_001406802.1); c.2460_2461delinsAA, p.Leu821Ile (NM_001406796.1, NM_001406798.1, NM_001406800.1 and 2 more transcripts); c.2163_2164delinsAA, p.Leu722Ile (NM_001406797.1, NM_001406801.1, NM_001406805.1 and 10 more transcripts); c.1935_1936delinsAA, p.Leu646Ile (NM_001406799.1, NM_001406806.1, NM_001406807.1); c.2382_2383delinsAA, p.Leu795Ile (NM_001406804.1); c.2466_2467delinsAA, p.Leu823Ile (NM_001406813.1); and 4 more; short protein forms L691I, L821I, L795I, L823I, L646I, L765I, L519I, L722I.
Identifiers: ClinVar variation 2864305 (VCV002864305.3), dbSNP rs2530673750, ClinGen allele CA2739274368.

ClinVar aggregate classification (germline): Uncertain significance (1 of 4 stars; one submission).

Conditions:
Hereditary nonpolyposis colorectal neoplasms. Identifiers: MedGen C0009405, MeSH D003123.

Submission:

Labcorp Genetics (formerly Invitae), Labcorp
Classification: Uncertain significance for Hereditary nonpolyposis colorectal neoplasms. Last evaluated: 2023-05-15. Review status: criteria provided, single submitter. Criteria: Invitae Variant Classification Sherloc (09022015). Collection method: clinical testing. Allele origin: germline.
Comment: In summary, the available evidence is currently insufficient to determine the role of this variant in disease. Therefore, it has been classified as a Variant of Uncertain Significance. Experimental studies and prediction algorithms are not available or were not evaluated, and the functional significance of this variant is currently unknown. This variant has not been reported in the literature in individuals affected with MSH6-related conditions. Information on the frequency of this variant in the gnomAD database is not available, as this variant may be reported differently in the database. This sequence change replaces leucine, which is neutral and non-polar, with isoleucine, which is neutral and non-polar, at codon 821 of the MSH6 protein (p.Leu821Ile).